The following is an entry in ClinVar:

ClinVar aggregate classification (germline): Likely benign (1 of 4 stars; one submission).

Allele frequency attached by ClinVar (database versions not stated): ExAC 0.00001; gnomAD 0.00002; TOPMed 0.00002; gnomAD exomes 0.00004.
gnomAD v4.1: 60 of 1,613,484 alleles (0.0037%); highest among the groups gnomAD compares: Non-Finnish European, 0.0048%; no homozygotes.

Submission:

CeGaT Center for Human Genetics Tuebingen
Classification: Likely benign. Last evaluated: 2022-10-01. Review status: criteria provided, single submitter. Criteria: CeGaT Center For Human Genetics Tuebingen Variant Classification Criteria Version 2. Collection method: clinical testing. Allele origin: germline. Affected: yes. Observed: 1 variant allele.
Comment: TAF2: BP4, BP7

NM_003184.4(TAF2):c.2793T>A (p.Thr931=)

Gene: TAF2 (TATA-box binding protein associated factor 2; minus strand). Cytogenetic location: 8q24.12.
Variant type: single nucleotide variant.
Coding change: c.2793T>A on transcript NM_003184.4 (MANE Select); coding-DNA position 2793, T replaced by A.
Protein change: p.Thr931=; no amino-acid change (threonine 931 retained).
Molecular consequence: synonymous variant.
Genome position (GRCh38, 1-based): chr8:119,756,091, A>T on the plus strand (T>A on the coding strand, the complement: TAF2 is on the minus strand). VCF-style: chr8-119756091-A-T. GRCh37 (hg19) VCF-style: chr8-120768331-A-T.
Identifiers: ClinVar variation 2658782 (VCV002658782.24), dbSNP rs761158231, ClinGen allele CA4856955.